The following is an entry in ClinVar:

ClinVar aggregate classification (germline): Uncertain significance (1 of 4 stars; one submission).

Allele frequency attached by ClinVar (database versions not stated): gnomAD 0.00001; gnomAD exomes 0.00001; TOPMed 0.00002; 1000 Genomes Project 30x 0.00031.
gnomAD v4.1: 21 of 1,555,724 alleles (0.0013%); highest among the groups gnomAD compares: Middle Eastern, 0.021%; no homozygotes.

Submission:

GeneDx
Classification: Uncertain significance. Last evaluated: 2021-09-28. Review status: criteria provided, single submitter. Criteria: GeneDx Variant Classification Process June 2021. Collection method: clinical testing. Allele origin: germline. Affected: yes.
Comment: Not observed at significant frequency in large population cohorts (Lek et al., 2016); In silico analysis, which includes protein predictors and evolutionary conservation, supports that this variant does not alter protein structure/function; Has not been previously published as pathogenic or benign to our knowledge

NM_014855.3(AP5Z1):c.1474G>A (p.Glu492Lys)

Gene: AP5Z1 (adaptor related protein complex 5 subunit zeta 1; plus strand). Cytogenetic location: 7p22.1.
Variant type: single nucleotide variant.
Coding change: c.1474G>A on transcript NM_014855.3 (MANE Select); coding-DNA position 1474, G replaced by A.
Protein change: p.Glu492Lys; replaces glutamic acid 492 with lysine.
Molecular consequence: missense variant. On other transcripts: non-coding transcript variant (1).
Genome position (GRCh38, 1-based): chr7:4,788,173, G>A. VCF-style: chr7-4788173-G-A. GRCh37 (hg19) VCF-style: chr7-4827804-G-A.
Other names: c.1006G>A, p.Glu336Lys (NM_001364858.1); short protein forms E336K, E492K.
Identifiers: ClinVar variation 1300665 (VCV001300665.2), dbSNP rs757374186, ClinGen allele CA4137839.